The following is an entry in ClinVar:

ClinVar aggregate classification (germline): Uncertain significance. Review status: criteria provided, multiple submitters, no conflicts (2 of 4 stars). 2 submissions from 2 submitters: Uncertain significance (2). Last evaluated 2025-11-16.

Conditions:
Hypertrophic cardiomyopathy 14. Identifiers: MedGen C2750467, MONDO:0013197, OMIM 613251.
Cardiovascular phenotype. Identifiers: MedGen CN230736.

Allele frequency attached by ClinVar (database versions not stated): gnomAD 0.00003; TOPMed 0.00005; 1000 Genomes Project 0.00020; 1000 Genomes Project 30x 0.00031; ExAC 0.00001; gnomAD exomes 0.00001 and 0.00002.
gnomAD v4.1: 20 of 1,614,206 alleles (0.0012%); highest among the groups gnomAD compares: Admixed American, 0.01%; no homozygotes.

Submissions (2):

Ambry Genetics
Classification: Uncertain significance for Cardiovascular phenotype. Last evaluated: 2025-11-16. Review status: criteria provided, single submitter. Criteria: Ambry Variant Classification Scheme 2023. Collection method: clinical testing. Allele origin: germline.
Comment: The p.R680Q variant (also known as c.2039G>A), located in coding exon 15 of the MYH6 gene, results from a G to A substitution at nucleotide position 2039. The arginine at codon 680 is replaced by glutamine, an amino acid with highly similar properties. This amino acid position is conserved. In addition, this alteration is predicted to be tolerated by in silico analysis. Since supporting evidence is limited at this time, the clinical significance of this alteration remains unclear.

Labcorp Genetics (formerly Invitae), Labcorp
Classification: Uncertain significance for Hypertrophic cardiomyopathy 14. Last evaluated: 2025-07-08. Review status: criteria provided, single submitter. Criteria: Invitae Variant Classification Sherloc (09022015). Collection method: clinical testing. Allele origin: germline.
Comment: This sequence change replaces arginine, which is basic and polar, with glutamine, which is neutral and polar, at codon 680 of the MYH6 protein (p.Arg680Gln). This variant is present in population databases (rs551746815, gnomAD 0.008%). This variant has not been reported in the literature in individuals affected with MYH6-related conditions. ClinVar contains an entry for this variant (Variation ID: 581101). Invitae Evidence Modeling of protein sequence and biophysical properties (such as structural, functional, and spatial information, amino acid conservation, physicochemical variation, residue mobility, and thermodynamic stability) has been performed for this missense variant. However, the output from this modeling did not meet the statistical confidence thresholds required to predict the impact of this variant on MYH6 protein function. In summary, the available evidence is currently insufficient to determine the role of this variant in disease. Therefore, it has been classified as a Variant of Uncertain Significance.

NM_002471.4(MYH6):c.2039G>A (p.Arg680Gln)

Gene: MYH6 (myosin heavy chain 6; minus strand). Cytogenetic location: 14q11.2.
Variant type: single nucleotide variant.
Coding change: c.2039G>A on transcript NM_002471.4 (MANE Select); coding-DNA position 2039, G replaced by A.
Protein change: p.Arg680Gln; replaces arginine 680 with glutamine.
Molecular consequence: missense variant.
Genome position (GRCh38, 1-based): chr14:23,397,181, C>T on the plus strand (G>A on the coding strand, the complement: MYH6 is on the minus strand). VCF-style: chr14-23397181-C-T. GRCh37 (hg19) VCF-style: chr14-23866390-C-T.
Other names: short protein forms R680Q.
Identifiers: ClinVar variation 581101 (VCV000581101.13), dbSNP rs551746815, ClinGen allele CA7115624.